The following is an entry in ClinVar:

ClinVar aggregate classification (germline): Uncertain significance (1 of 4 stars; one submission).

Allele frequency attached by ClinVar (database versions not stated): gnomAD exomes below 0.00001.

Submission:

Labcorp Genetics (formerly Invitae), Labcorp
Classification: Uncertain significance. Last evaluated: 2023-04-12. Review status: criteria provided, single submitter. Criteria: Invitae Variant Classification Sherloc (09022015). Collection method: clinical testing. Allele origin: germline.
Comment: This sequence change replaces histidine, which is basic and polar, with tyrosine, which is neutral and polar, at codon 71 of the IL6ST protein (p.His71Tyr). This variant is not present in population databases (gnomAD no frequency). In summary, the available evidence is currently insufficient to determine the role of this variant in disease. Therefore, it has been classified as a Variant of Uncertain Significance. An algorithm developed to predict the effect of missense changes on protein structure and function (PolyPhen-2) suggests that this variant is likely to be tolerated. This variant has not been reported in the literature in individuals affected with IL6ST-related conditions.

NM_002184.4(IL6ST):c.211C>T (p.His71Tyr)

Gene: IL6ST (interleukin 6 cytokine family signal transducer; minus strand). Cytogenetic location: 5q11.2.
Variant type: single nucleotide variant.
Coding change: c.211C>T on transcript NM_002184.4 (MANE Select); coding-DNA position 211, C replaced by T.
Protein change: p.His71Tyr; replaces histidine 71 with tyrosine.
Molecular consequence: missense variant. On other transcripts: 5 prime UTR variant (3), non-coding transcript variant (2), intron variant (1).
Genome position (GRCh38, 1-based): chr5:55,969,709, G>A on the plus strand (C>T on the coding strand, the complement: IL6ST is on the minus strand). VCF-style: chr5-55969709-G-A. GRCh37 (hg19) VCF-style: chr5-55265537-G-A.
Other names: c.211C>T, p.His71Tyr (NM_001190981.2, NM_001364275.2, NM_175767.3); c.-582C>T (NM_001364277.2, NM_001364279.2); c.-572C>T (NM_001364278.2); c.160+51C>T (NM_001364276.2); short protein forms H71Y.
Identifiers: ClinVar variation 2986611 (VCV002986611.3), dbSNP rs2533573155, ClinGen allele CA359770509.